The following is an entry in ClinVar:

ClinVar aggregate classification (germline): Likely benign (1 of 4 stars; one submission).

Conditions:
ANKS6-related disorder. Also called: ANKS6-related condition.

gnomAD v4.1: 24 of 1,405,966 alleles (0.0017%); highest among the groups gnomAD compares: Admixed American, 0.0054%; no homozygotes.

Submission:

PreventionGenetics, part of Exact Sciences
Classification: Likely benign for ANKS6-related condition. Last evaluated: 2026-01-06. Review status: criteria provided, single submitter. Criteria: ACMG Guidelines, 2015. Collection method: clinical testing. Allele origin: germline.
Comment: This variant is classified as likely benign based on ACMG/AMP sequence variant interpretation guidelines (Richards et al. 2015 PMID: 25741868, with internal and published modifications).

NM_173551.5(ANKS6):c.255C>T (p.Ala85=)

Gene: ANKS6 (ankyrin repeat and sterile alpha motif domain containing 6; minus strand). Cytogenetic location: 9q22.33.
Variant type: single nucleotide variant.
Coding change: c.255C>T on transcript NM_173551.5 (MANE Select); coding-DNA position 255, C replaced by T.
Protein change: p.Ala85=; no amino-acid change (alanine 85 retained).
Molecular consequence: synonymous variant.
Genome position (GRCh38, 1-based): chr9:98,796,237, G>A on the plus strand (C>T on the coding strand, the complement: ANKS6 is on the minus strand). VCF-style: chr9-98796237-G-A. GRCh37 (hg19) VCF-style: chr9-101558519-G-A.
Identifiers: ClinVar variation 4980285 (VCV004980285.1).